The following is an entry in ClinVar:

ClinVar aggregate classification (germline): Conflicting classifications of pathogenicity. Review status: criteria provided, conflicting classifications (1 of 4 stars). 3 submissions from 3 submitters: Uncertain significance (1); Likely benign (2). Last evaluated 2025-11-16.

Conditions:
Methylmalonic aciduria and homocystinuria type cblF. Also called: COBALAMIN F DISEASE; COBALAMIN, DEFECT IN LYSOSOMAL RELEASE OF; METHYLMALONIC ACIDEMIA AND HOMOCYSTINURIA, cblF TYPE; METHYLMALONIC ACIDURIA DUE TO VITAMIN B12-RELEASE DEFECT; VITAMIN B12 LYSOSOMAL RELEASE DEFECT; VITAMIN B12 STORAGE DISEASE. Identifiers: Orphanet 79284, MedGen C1848578, MONDO:0010183, OMIM 277380.

Allele frequency attached by ClinVar (database versions not stated): gnomAD exomes 0.00005 and 0.00013; ESP Exome Variant Server 0.00008; TOPMed 0.00014; ExAC 0.00015; gnomAD 0.00015 and 0.00019; 1000 Genomes Project 0.00060; 1000 Genomes Project 30x 0.00094.
gnomAD v4.1: 115 of 1,610,656 alleles (0.0071%); highest among the groups gnomAD compares: East Asian, 0.072%; no homozygotes.

Submissions (3):

Labcorp Genetics (formerly Invitae), Labcorp
Classification: Likely benign for Methylmalonic aciduria and homocystinuria type cblF. Last evaluated: 2025-11-16. Review status: criteria provided, single submitter. Criteria: Invitae Variant Classification Sherloc (09022015). Collection method: clinical testing. Allele origin: germline.

Illumina Laboratory Services, Illumina
Classification: Uncertain significance for Methylmalonic aciduria and homocystinuria type cblF. Last evaluated: 2018-01-13. Review status: criteria provided, single submitter. Criteria: ICSL Variant Classification Criteria 13 December 2019. Collection method: clinical testing. Allele origin: germline.

GeneDx
Classification: Likely benign. Last evaluated: 2016-10-12. Review status: criteria provided, single submitter. Criteria: GeneDx Variant Classification (06012015). Collection method: clinical testing. Allele origin: germline. Affected: yes.
Comment: This variant is considered likely benign or benign based on one or more of the following criteria: it is a conservative change, it occurs at a poorly conserved position in the protein, it is predicted to be benign by multiple in silico algorithms, and/or has population frequency not consistent with disease.

NM_018368.4(LMBRD1):c.384T>C (p.Asp128=)

Gene: LMBRD1 (LMBR1 domain containing 1; minus strand). Cytogenetic location: 6q13.
Variant type: single nucleotide variant.
Coding change: c.384T>C on transcript NM_018368.4 (MANE Select); coding-DNA position 384, T replaced by C.
Protein change: p.Asp128=; no amino-acid change (aspartic acid 128 retained).
Molecular consequence: synonymous variant.
Genome position (GRCh38, 1-based): chr6:69,752,280, A>G on the plus strand (T>C on the coding strand, the complement: LMBRD1 is on the minus strand). VCF-style: chr6-69752280-A-G. GRCh37 (hg19) VCF-style: chr6-70462172-A-G.
Other names: c.165T>C, p.Asp55= (NM_001363722.2, NM_001367271.1, NM_001367272.1).
Identifiers: ClinVar variation 357777 (VCV000357777.16), dbSNP rs143642515, ClinGen allele CA3879923.